The following is an entry in ClinVar:

NM_017780.4(CHD7):c.1977del (p.Lys660fs)

Genes: CHD7 (chromodomain helicase DNA binding protein 7; plus strand), LOC126860403 (CDK7 strongly-dependent group 2 enhancer GRCh37_chr8:61693034-61694233; plus strand). Cytogenetic location: 8q12.2.
Variant type: Deletion.
Coding change: c.1977del on transcript NM_017780.4 (MANE Select); coding-DNA position 1977, one base deleted (C; older notation c.1977delC).
Protein change: p.Lys660fs; shifts the reading frame from lysine 660.
Molecular consequence: frameshift variant. On other transcripts: intron variant (1).
Genome position (GRCh38, 1-based): chr8:60,781,311, C deleted; the last of 3 consecutive C bases (chr8:60,781,309-60,781,311); deleting any one gives the same sequence. VCF-style (leftmost placement, unchanged base first): chr8-60781308-AC-A. GRCh37 (hg19) VCF-style: chr8-61693867-AC-A.
Other names: c.1716+261del (NM_001316690.1); short protein forms K660fs.
Identifiers: ClinVar variation 1074287 (VCV001074287.7), dbSNP rs2150669944, ClinGen allele CA2499219365.
Genomic context (GRCh38, chr8:60,781,308, plus strand): 5'-AGAAGAAAAAAAGAAAAAGAAAAGGTCAAAGGCAAAAAAAGACCCGAAGGAACCGAAAGA[AC>A]CCAAGGAGAAAAAAGAGCCCAAGGAACCCAAGACCCCGAAAGCCCCTAAGATTCCCAAAG-3'

ClinVar aggregate classification (germline): Pathogenic (1 of 4 stars; one submission).

Conditions:
CHARGE syndrome (CHARGE). Also called: Hittner Hirsch Kreh syndrome; CHARGE ASSOCIATION--COLOBOMA, HEART ANOMALY, CHOANAL ATRESIA, RETARDATION, GENITAL AND EAR ANOMALIES; Coloboma, heart anomaly, choanal atresia, retardation, genital and ear anomalies; CHARGE association; Hall-Hittner syndrome. Identifiers: Orphanet 138, MedGen C0265354, MONDO:0008965.

Submission:

Labcorp Genetics (formerly Invitae), Labcorp
Classification: Pathogenic for CHARGE syndrome. Last evaluated: 2018-03-05. Review status: criteria provided, single submitter. Criteria: Invitae Variant Classification Sherloc (09022015). Collection method: clinical testing. Allele origin: germline.
Comment: Loss-of-function variants in CHD7 are known to be pathogenic (PMID: 22461308, 25077900). For these reasons, this variant has been classified as Pathogenic. This variant has not been reported in the literature in individuals with CHD7-related disease. This variant is not present in population databases (ExAC no frequency). This sequence change creates a premature translational stop signal (p.Lys660Argfs*51) in the CHD7 gene. It is expected to result in an absent or disrupted protein product.

Literature cited by the submitters: PubMed 22461308; PubMed 25077900.